The following is an entry in ClinVar:

ClinVar aggregate classification (germline): Pathogenic (1 of 4 stars; one submission).

Conditions:
Multiple congenital exostosis (EXT). Also called: MULTIPLE CARTILAGINOUS EXOSTOSES; Hereditary multiple exostoses; Hereditary multiple exostosis; Multiple exostoses; Multiple osteochondromas; Hereditary multiple osteochondromas. Identifiers: Orphanet 321, MedGen C0015306, MONDO:0005508, HP:0002762.

Submission:

Labcorp Genetics (formerly Invitae), Labcorp
Classification: Pathogenic for Multiple congenital exostosis. Last evaluated: 2024-01-22. Review status: criteria provided, single submitter. Criteria: Invitae Variant Classification Sherloc (09022015). Collection method: clinical testing. Allele origin: germline.
Comment: This sequence change creates a premature translational stop signal (p.Leu424*) in the EXT1 gene. It is expected to result in an absent or disrupted protein product. Loss-of-function variants in EXT1 are known to be pathogenic (PMID: 10679937, 11391482, 19810120). This variant is not present in population databases (gnomAD no frequency). This premature translational stop signal has been observed in individual(s) with hereditary multiple osteochondromatosis (PMID: 16088908). ClinVar contains an entry for this variant (Variation ID: 2136697). For these reasons, this variant has been classified as Pathogenic.

Literature cited by the submitters: PubMed 10679937; PubMed 11391482; PubMed 19810120; PubMed 16088908.

NM_000127.3(EXT1):c.1271T>G (p.Leu424Ter)

Gene: EXT1 (exostosin glycosyltransferase 1; minus strand). Cytogenetic location: 8q24.11.
Variant type: single nucleotide variant.
Coding change: c.1271T>G on transcript NM_000127.3 (MANE Select); coding-DNA position 1271, T replaced by G.
Protein change: p.Leu424Ter; replaces leucine 424 with a stop codon.
Molecular consequence: nonsense.
Genome position (GRCh38, 1-based): chr8:117,830,243, A>C on the plus strand (T>G on the coding strand, the complement: EXT1 is on the minus strand). VCF-style: chr8-117830243-A-C. GRCh37 (hg19) VCF-style: chr8-118842482-A-C.
Other names: short protein forms L424*.
Identifiers: ClinVar variation 2136697 (VCV002136697.4), dbSNP rs2488125890, ClinGen allele CA371890152.